The following is an entry in ClinVar:

NM_016580.4(PCDH12):c.3354G>C (p.Glu1118Asp)

Gene: PCDH12 (protocadherin 12; minus strand). Cytogenetic location: 5q31.3.
Variant type: single nucleotide variant.
Coding change: c.3354G>C on transcript NM_016580.4 (MANE Select); coding-DNA position 3354, G replaced by C.
Protein change: p.Glu1118Asp; replaces glutamic acid 1118 with aspartic acid.
Molecular consequence: missense variant.
Genome position (GRCh38, 1-based): chr5:141,945,582, C>G on the plus strand (G>C on the coding strand, the complement: PCDH12 is on the minus strand). VCF-style: chr5-141945582-C-G. GRCh37 (hg19) VCF-style: chr5-141325147-C-G.
Other names: c.3354G>C (NM_016580.2, NM_016580.3); short protein forms E1118D.
Identifiers: ClinVar variation 1170928 (VCV001170928.13), dbSNP rs138035071, ClinGen allele CA3483987.

ClinVar aggregate classification (germline): Benign/Likely benign. Review status: criteria provided, multiple submitters, no conflicts (2 of 4 stars). 3 submissions from 3 submitters: Benign (1); Likely benign (1). 1 of the submissions does not count toward it. Last evaluated 2025-12-19.

Conditions:
Inborn genetic diseases. Identifiers: MedGen C0950123, MeSH D030342.
PCDH12-related disorder. Also called: PCDH12-related condition.

Allele frequency attached by ClinVar (database versions not stated): gnomAD exomes 0.00018 and 0.00048; ExAC 0.00056; 1000 Genomes Project 30x 0.00156; gnomAD 0.00178 and 0.00195; 1000 Genomes Project 0.00180; TOPMed 0.00195; ESP Exome Variant Server 0.00246.

Submissions (3):

Labcorp Genetics (formerly Invitae), Labcorp
Classification: Benign. Last evaluated: 2025-12-19. Review status: criteria provided, single submitter. Criteria: Invitae Variant Classification Sherloc (09022015). Collection method: clinical testing. Allele origin: germline.

Ambry Genetics
Classification: Likely benign for Inborn genetic diseases. Last evaluated: 2023-02-06. Review status: criteria provided, single submitter. Criteria: Ambry Variant Classification Scheme 2023. Collection method: clinical testing. Allele origin: germline.

PreventionGenetics, part of Exact Sciences
Classification: Likely benign for PCDH12-related condition. Last evaluated: 2020-02-05. Review status: no assertion criteria provided. Collection method: clinical testing. Allele origin: germline. Not counted in ClinVar's aggregate classification.
Comment: This variant is classified as likely benign based on ACMG/AMP sequence variant interpretation guidelines (Richards et al. 2015 PMID: 25741868, with internal and published modifications).